The following is an entry in ClinVar:

NM_002880.4(RAF1):c.1601A>G (p.Tyr534Cys)

Gene: RAF1 (Raf-1 proto-oncogene, serine/threonine kinase; minus strand). Cytogenetic location: 3p25.2.
Variant type: single nucleotide variant.
Coding change: c.1601A>G on transcript NM_002880.4 (MANE Select); coding-DNA position 1601, A replaced by G.
Protein change: p.Tyr534Cys; replaces tyrosine 534 with cysteine.
Molecular consequence: missense variant. On other transcripts: non-coding transcript variant (3).
Genome position (GRCh38, 1-based): chr3:12,585,189, T>C on the plus strand (A>G on the coding strand, the complement: RAF1 is on the minus strand). VCF-style: chr3-12585189-T-C. GRCh37 (hg19) VCF-style: chr3-12626688-T-C.
Other names: c.1661A>G, p.Tyr554Cys (NM_001354689.3); c.1601A>G, p.Tyr534Cys (NM_001354690.3); c.1358A>G, p.Tyr453Cys (NM_001354691.3, NM_001354692.3); c.1502A>G, p.Tyr501Cys (NM_001354693.3); c.1418A>G, p.Tyr473Cys (NM_001354694.3); c.1259A>G, p.Tyr420Cys (NM_001354695.3); short protein forms Y420C, Y453C, Y473C, Y501C, Y534C, Y554C.
Identifiers: ClinVar variation 4807917 (VCV004807917.1).

ClinVar aggregate classification (germline): Uncertain significance (1 of 4 stars; one submission).

Conditions:
RASopathy. Also called: rasopathies; Noonan spectrum disorder. Identifiers: Orphanet 536391, MedGen C5555857, MONDO:0021060.

Submission:

Labcorp Genetics (formerly Invitae), Labcorp
Classification: Uncertain significance for RASopathy. Last evaluated: 2025-10-01. Review status: criteria provided, single submitter. Criteria: Invitae Variant Classification Sherloc (09022015). Collection method: clinical testing. Allele origin: germline.
Comment: This sequence change replaces tyrosine, which is neutral and polar, with cysteine, which is neutral and slightly polar, at codon 534 of the RAF1 protein (p.Tyr534Cys). This variant is not present in population databases (gnomAD no frequency). This variant has not been reported in the literature in individuals affected with RAF1-related conditions. Invitae Evidence Modeling incorporating data from in vitro experimental studies (internal data) indicates that this missense variant is not expected to disrupt RAF1 function with a negative predictive value of 95%. In summary, the available evidence is currently insufficient to determine the role of this variant in disease. Therefore, it has been classified as a Variant of Uncertain Significance.